The following is an entry in ClinVar:

ClinVar aggregate classification (germline): Uncertain significance (1 of 4 stars; one submission).

Conditions:
ADCY3-related disorder. Also called: ADCY3-related condition.

Submission:

PreventionGenetics, part of Exact Sciences
Classification: Uncertain significance for ADCY3-related condition. Last evaluated: 2025-03-26. Review status: criteria provided, single submitter. Criteria: ACMG Guidelines, 2015. Collection method: clinical testing. Allele origin: germline.
Comment: The ADCY3 c.929T>C variant is predicted to result in the amino acid substitution p.Met310Thr. To our knowledge, this variant has not been reported in the literature. This variant is reported in 0.00088% of alleles in individuals of European (Non-Finnish) descent in gnomAD. At this time, the clinical significance of this variant is uncertain due to the absence of conclusive functional and genetic evidence.

NM_004036.5(ADCY3):c.929T>C (p.Met310Thr)

Gene: ADCY3 (adenylate cyclase 3; minus strand). Cytogenetic location: 2p23.3.
Variant type: single nucleotide variant.
Coding change: c.929T>C on transcript NM_004036.5 (MANE Select); coding-DNA position 929, T replaced by C.
Protein change: p.Met310Thr; replaces methionine 310 with threonine.
Molecular consequence: missense variant.
Genome position (GRCh38, 1-based): chr2:24,842,281, A>G on the plus strand (T>C on the coding strand, the complement: ADCY3 is on the minus strand). VCF-style: chr2-24842281-A-G. GRCh37 (hg19) VCF-style: chr2-25065150-A-G.
Other names: c.929T>C, p.Met310Thr (NM_001320613.2, NM_001377128.1, NM_001377129.1 and 2 more transcripts); c.206T>C, p.Met69Thr (NM_001377131.1); short protein forms M310T, M69T.
Identifiers: ClinVar variation 4999284 (VCV004999284.1).
Genomic context (GRCh38, chr2:24,842,281, plus strand): 5'-TGCCATCAGAGCCCGCGCCCCGGGCCGGCGTACCTGACGTTCTCGTGACGGTACATGTAC[A>G]TGGTGTTGAACTGCTGCTGGTCCTTCTGGCTCTCGTCTTTCTTCATGTCTTTCAGCATCT-3'
Protein context (NP_004027.2, residues 300-320): SQKDQQQFNT[Met310Thr]YMYRHENVSI